The following is an entry in ClinVar:

NM_001006658.3(CR2):c.2534C>T (p.Thr845Ile)

Gene: CR2 (complement C3d receptor 2; plus strand). Cytogenetic location: 1q32.2.
Variant type: single nucleotide variant.
Coding change: c.2534C>T on transcript NM_001006658.3 (MANE Select); coding-DNA position 2534, C replaced by T.
Protein change: p.Thr845Ile; replaces threonine 845 with isoleucine.
Molecular consequence: missense variant.
Genome position (GRCh38, 1-based): chr1:207,475,034, C>T. VCF-style: chr1-207475034-C-T. GRCh37 (hg19) VCF-style: chr1-207648379-C-T.
Other names: c.2357C>T, p.Thr786Ile (NM_001877.5); short protein forms T786I, T845I.
Identifiers: ClinVar variation 1979237 (VCV001979237.1), dbSNP rs1658395496, ClinGen allele CA344538521.

ClinVar aggregate classification (germline): Uncertain significance (1 of 4 stars; one submission).

Conditions:
Immunodeficiency, common variable, 7. Identifiers: Orphanet 1572, Orphanet 696894, MedGen C3542922, MONDO:0013862, OMIM 614699.

Allele frequency attached by ClinVar (database versions not stated): gnomAD exomes below 0.00001.
gnomAD v4.1: 1 of 1,614,040 alleles (0.000062%); highest among the groups gnomAD compares: South Asian, 0.0011%; no homozygotes.

Submission:

Labcorp Genetics (formerly Invitae), Labcorp
Classification: Uncertain significance for Immunodeficiency, common variable, 7. Last evaluated: 2022-07-26. Review status: criteria provided, single submitter. Criteria: Invitae Variant Classification Sherloc (09022015). Collection method: clinical testing. Allele origin: germline.
Comment: This sequence change replaces threonine, which is neutral and polar, with isoleucine, which is neutral and non-polar, at codon 845 of the CR2 protein (p.Thr845Ile). This variant is not present in population databases (gnomAD no frequency). This variant has not been reported in the literature in individuals affected with CR2-related conditions. Algorithms developed to predict the effect of missense changes on protein structure and function output the following: SIFT: "Tolerated"; PolyPhen-2: "Benign"; Align-GVGD: "Class C0". The isoleucine amino acid residue is found in multiple mammalian species, which suggests that this missense change does not adversely affect protein function. In summary, the available evidence is currently insufficient to determine the role of this variant in disease. Therefore, it has been classified as a Variant of Uncertain Significance.